The following is an entry in ClinVar:

ClinVar aggregate classification (germline): Pathogenic. Review status: criteria provided, multiple submitters, no conflicts (2 of 4 stars). 2 submissions from 2 submitters: Pathogenic (2). Last evaluated 2022-01-21.

Conditions:
Inborn genetic diseases. Identifiers: MedGen C0950123, MeSH D030342.

Submissions (2):

Ambry Genetics
Classification: Pathogenic for Inborn genetic diseases. Last evaluated: 2022-01-21. Review status: criteria provided, single submitter. Criteria: Ambry Variant Classification Scheme 2023. Collection method: clinical testing. Allele origin: germline.
Comment: The c.1183+1G>T intronic variant results from a G to T substitution one nucleotide after exon 12 (coding exon 9) of the PAX6 gene. This alteration occurs at the 3' terminus of the PAX6 gene, is not expected to trigger nonsense-mediated mRNA decay, and only impacts the last 18% of the protein. The exact functional effect of this alteration is unknown; however, the impacted region is critical for protein function (Ambry internal data). This variant was not reported in population-based cohorts in the Genome Aggregation Database (gnomAD). Another alteration impacting the same donor site (c.1183+1G>A) has been reported as de novo in two individuals with aniridia, cataract, and nystagmus (Miao, 2017; Nieves-Moreno, 2021). This nucleotide position is highly conserved in available vertebrate species. In silico splice site analysis predicts that this alteration will weaken the native splice donor site. Based on the available evidence, this alteration is classified as pathogenic.

GeneDx
Classification: Pathogenic. Last evaluated: 2016-05-12. Review status: criteria provided, single submitter. Criteria: GeneDx Variant Classification (06012015). Collection method: clinical testing. Allele origin: germline. Affected: yes.
Comment: The c.1183+1 G>T splice site variant in the PAX6 gene destroys the canonical splice donor site in intron 12. It is predicted to cause abnormal gene splicing, either leading to an abnormal message that is subject to nonsense-mediated mRNA decay, or to an abnormal protein product if the message is used for protein translation. The c.1183+1 G>T variant was not observed in approximately 6,500 individuals of European and African American ancestry in the NHLBI Exome Sequencing Project, indicating it is not a common benign variant in these populations.

Literature cited by the submitters: PubMed 28760551 (cited by Ambry Genetics); PubMed 34065151 (cited by Ambry Genetics).

NM_001368894.2(PAX6):c.1225+1G>T

Gene: PAX6 (paired box 6; minus strand). Cytogenetic location: 11p13.
Variant type: single nucleotide variant.
Coding change: c.1225+1G>T on transcript NM_001368894.2 (MANE Select); the canonical splice donor site of the intron after coding-DNA position 1225, G replaced by T.
Molecular consequence: splice donor variant. On other transcripts: intron variant (9).
Genome position (GRCh38, 1-based): chr11:31,790,709, C>A on the plus strand (G>T on the coding strand, the complement: PAX6 is on the minus strand). VCF-style: chr11-31790709-C-A. GRCh37 (hg19) VCF-style: chr11-31812257-C-A.
Other names: c.1183+1G>T (NM_001127612.3, NM_001368890.2, NM_001368888.2 and 6 more transcripts); c.874-690G>T (NM_001368921.2); c.1024+1G>T (NM_001368923.2, NM_001368926.2, NM_001368927.2 and 3 more transcripts); c.1225+1G>T (NM_001258462.3, NM_001310158.2, NM_001258463.2 and 3 more transcripts); c.1300+1G>T (NM_001368919.2, NM_001368918.2); c.1033-690G>T (NM_001368915.2, NM_001368917.2, NM_001368916.2); c.1075-690G>T (NM_001368914.2, NM_001368912.2, NM_001368913.2); c.1426+1G>T (NM_001368910.2); and 6 more.
Identifiers: ClinVar variation 449734 (VCV000449734.6), dbSNP rs1554982537, ClinGen allele CA379966971.